The following is an entry in ClinVar:

NM_000257.4(MYH7):c.444C>T (p.Ser148=)

Gene: MYH7 (myosin heavy chain 7; minus strand). Cytogenetic location: 14q11.2.
Variant type: single nucleotide variant.
Coding change: c.444C>T on transcript NM_000257.4 (MANE Select); coding-DNA position 444, C replaced by T.
Protein change: p.Ser148=; no amino-acid change (serine 148 retained).
Molecular consequence: synonymous variant.
Genome position (GRCh38, 1-based): chr14:23,432,697, G>A on the plus strand (C>T on the coding strand, the complement: MYH7 is on the minus strand). VCF-style: chr14-23432697-G-A. GRCh37 (hg19) VCF-style: chr14-23901906-G-A.
Other names: c.444C>T (LRG_384t1).
Identifiers: ClinVar variation 506566 (VCV000506566.50), dbSNP rs374466146, ClinGen allele CA042293.
Genomic context (GRCh38, chr14:23,432,697, plus strand): 5'-ACCTGTCAGCATGTACTGATAGGCGTTGTCGGAGATGGAGAAGATGTGGGGCGGGGCCTC[G>A]CTCCTCTTCTTGCCCCGGTAGGCAGCCACCACCTCAGGAGTGTACACCGGCAGCCACTTG-3'
Protein context (NP_000248.2, residues 138-158): VVAAYRGKKR[Ser148=]EAPPHIFSIS

ClinVar aggregate classification (germline): Likely benign. Review status: criteria provided, multiple submitters, no conflicts (2 of 4 stars). 7 submissions from 7 submitters: Likely benign (7). Last evaluated 2025-08-10.

Conditions:
Cardiovascular phenotype. Identifiers: MedGen CN230736.
Cardiomyopathy (CMYO). Also called: Cardiomyopathies. Identifiers: Orphanet 167848, MedGen C0878544, MONDO:0004994, HP:0001638. Inheritance: Various modes of inheritance.
Hypertrophic cardiomyopathy. Also called: HYPERTROPHIC MYOCARDIOPATHY. Identifiers: Orphanet 217569, MedGen C0007194, MeSH D002312, MONDO:0005045, HP:0001639.

Allele frequency attached by ClinVar (database versions not stated): ExAC 0.00001; gnomAD exomes 0.00001 and 0.00002; TOPMed 0.00002; gnomAD 0.00005; ESP Exome Variant Server 0.00008.

Submissions (7):

Labcorp Genetics (formerly Invitae), Labcorp
Classification: Likely benign for Hypertrophic cardiomyopathy. Last evaluated: 2025-08-10. Review status: criteria provided, single submitter. Criteria: Invitae Variant Classification Sherloc (09022015). Collection method: clinical testing. Allele origin: germline.

Blueprint Genetics
Classification: Likely benign. Last evaluated: 2024-03-26. Review status: criteria provided, single submitter. Criteria: ACMG Guidelines, 2015. Collection method: clinical testing. Allele origin: germline.

Ambry Genetics
Classification: Likely benign for Cardiovascular phenotype. Last evaluated: 2024-03-17. Review status: criteria provided, single submitter. Criteria: Ambry Variant Classification Scheme 2023. Collection method: clinical testing. Allele origin: germline.

All of Us Research Program, National Institutes of Health
Classification: Likely benign for Cardiomyopathy. Last evaluated: 2024-01-11. Review status: criteria provided, single submitter. Criteria: ACMG Guidelines, 2015. Collection method: clinical testing. Allele origin: germline. Inheritance: Autosomal dominant inheritance. Observed: 3 variant alleles, 3 heterozygotes.
Comment: This study involves interpretation of variants in research participants for the purpose of population health screening. Participant phenotype was not available at the time of variant classification. Additional details can be found in publication PMID: 35346344, PMCID: PMC8962531

CeGaT Center for Human Genetics Tuebingen
Classification: Likely benign. Last evaluated: 2021-01-01. Review status: criteria provided, single submitter. Criteria: CeGaT Center For Human Genetics Tuebingen Variant Classification Criteria Version 2. Collection method: clinical testing. Allele origin: germline. Affected: yes. Observed: 1 variant allele.

Color Diagnostics, LLC DBA Color Health
Classification: Likely benign for Cardiomyopathy. Last evaluated: 2018-11-08. Review status: criteria provided, single submitter. Criteria: ACMG Guidelines, 2015. Collection method: clinical testing. Allele origin: germline.

GeneDx
Classification: Likely benign. Last evaluated: 2017-02-06. Review status: criteria provided, single submitter. Criteria: GeneDx Variant Classification (06012015). Collection method: clinical testing. Allele origin: germline. Affected: yes.
Comment: This variant is considered likely benign or benign based on one or more of the following criteria: it is a conservative change, it occurs at a poorly conserved position in the protein, it is predicted to be benign by multiple in silico algorithms, and/or has population frequency not consistent with disease.